The following is an entry in ClinVar:

ClinVar aggregate classification (germline): Uncertain significance (1 of 4 stars; one submission).

Conditions:
Congenital myasthenic syndrome 5. Identifiers: Orphanet 590, MedGen C1864233, MONDO:0011281, OMIM 603034.

Allele frequency attached by ClinVar (database versions not stated): gnomAD 0.00001; 1000 Genomes Project 30x 0.00016; 1000 Genomes Project 0.00020.
gnomAD v4.1: 2 of 1,614,206 alleles (0.00012%); highest among the groups gnomAD compares: East Asian, 0.0045%; no homozygotes.

Submission:

Labcorp Genetics (formerly Invitae), Labcorp
Classification: Uncertain significance for Congenital myasthenic syndrome 5. Last evaluated: 2020-12-01. Review status: criteria provided, single submitter. Criteria: Invitae Variant Classification Sherloc (09022015). Collection method: clinical testing. Allele origin: germline.
Comment: In summary, the available evidence is currently insufficient to determine the role of this variant in disease. Therefore, it has been classified as a Variant of Uncertain Significance. Algorithms developed to predict the effect of missense changes on protein structure and function (SIFT, PolyPhen-2, Align-GVGD) all suggest that this variant is likely to be disruptive, but these predictions have not been confirmed by published functional studies and their clinical significance is uncertain. This variant has not been reported in the literature in individuals with COLQ-related conditions. This variant is not present in population databases (ExAC no frequency). This sequence change replaces proline with leucine at codon 64 of the COLQ protein (p.Pro64Leu). The proline residue is highly conserved and there is a moderate physicochemical difference between proline and leucine.

NM_005677.4(COLQ):c.191C>T (p.Pro64Leu)

Gene: COLQ (collagen like tail subunit of asymmetric acetylcholinesterase; minus strand). Cytogenetic location: 3p25.1.
Variant type: single nucleotide variant.
Coding change: c.191C>T on transcript NM_005677.4 (MANE Select); coding-DNA position 191, C replaced by T.
Protein change: p.Pro64Leu; replaces proline 64 with leucine.
Molecular consequence: missense variant.
Genome position (GRCh38, 1-based): chr3:15,489,553, G>A on the plus strand (C>T on the coding strand, the complement: COLQ is on the minus strand). VCF-style: chr3-15489553-G-A. GRCh37 (hg19) VCF-style: chr3-15531060-G-A.
Other names: c.161C>T, p.Pro54Leu (NM_080538.2); c.191C>T, p.Pro64Leu (NM_080539.4); short protein forms P54L, P64L.
Identifiers: ClinVar variation 1352584 (VCV001352584.7), dbSNP rs188737921, ClinGen allele CA70627292.